The following is an entry in ClinVar:

NM_001379286.1(ZNF423):c.618G>A (p.Glu206=)

Gene: ZNF423 (zinc finger protein 423; minus strand). Cytogenetic location: 16q12.1.
Variant type: single nucleotide variant.
Coding change: c.618G>A on transcript NM_001379286.1 (MANE Select); coding-DNA position 618, G replaced by A.
Protein change: p.Glu206=; no amino-acid change (glutamic acid 206 retained).
Molecular consequence: synonymous variant.
Genome position (GRCh38, 1-based): chr16:49,638,558, C>T on the plus strand (G>A on the coding strand, the complement: ZNF423 is on the minus strand). VCF-style: chr16-49638558-C-T. GRCh37 (hg19) VCF-style: chr16-49672469-C-T.
Other names: c.594G>A, p.Glu198= (NM_015069.5); c.594G>A (NM_015069.4); c.414G>A, p.Glu138= (NM_001271620.2); c.243G>A, p.Glu81= (NM_001330533.2).
Identifiers: ClinVar variation 540274 (VCV000540274.9), dbSNP rs1555516039, ClinGen allele CA495446028.

ClinVar aggregate classification (germline): Likely benign. Review status: criteria provided, multiple submitters, no conflicts (2 of 4 stars). 2 submissions from 2 submitters: Likely benign (2). Last evaluated 2026-03-03.

Conditions:
ZNF423-related disorder. Also called: ZNF423-related condition.
Nephronophthisis 14 (NPHP14). Identifiers: Orphanet 2318, MedGen C3539071, MONDO:0013916, OMIM 614844.

Allele frequency attached by ClinVar (database versions not stated): gnomAD exomes below 0.00001.
gnomAD v4.1: 2 of 1,613,880 alleles (0.00012%); highest among the groups gnomAD compares: Non-Finnish European, 0.00017%; no homozygotes.

Submissions (2):

PreventionGenetics, part of Exact Sciences
Classification: Likely benign for ZNF423-related condition. Last evaluated: 2026-03-03. Review status: criteria provided, single submitter. Criteria: ACMG Guidelines, 2015. Collection method: clinical testing. Allele origin: germline.
Comment: This variant is classified as likely benign based on ACMG/AMP sequence variant interpretation guidelines (Richards et al. 2015 PMID: 25741868, with internal and published modifications).

Labcorp Genetics (formerly Invitae), Labcorp
Classification: Likely benign for Nephronophthisis 14. Last evaluated: 2022-08-22. Review status: criteria provided, single submitter. Criteria: Invitae Variant Classification Sherloc (09022015). Collection method: clinical testing. Allele origin: germline.